The following is an entry in ClinVar:

NM_001165963.4(SCN1A):c.1667del (p.Leu556fs)

Gene: SCN1A (sodium voltage-gated channel alpha subunit 1; minus strand). Cytogenetic location: 2q24.3.
Variant type: Deletion.
Coding change: c.1667del on transcript NM_001165963.4 (MANE Select); coding-DNA position 1667, one base deleted (T; older notation c.1667delT).
Protein change: p.Leu556fs; shifts the reading frame from leucine 556.
Molecular consequence: frameshift variant. On other transcripts: 5 prime UTR variant (1), non-coding transcript variant (1).
Genome position (GRCh38, 1-based): chr2:166,044,045, A deleted on the plus strand (T on the coding strand, the reverse complement: SCN1A is on the minus strand); the first of 3 consecutive A bases (chr2:166,044,045-166,044,047); deleting any one gives the same sequence. VCF-style (leftmost placement, unchanged base first): chr2-166044044-CA-C. GRCh37 (hg19) VCF-style: chr2-166900554-CA-C.
Other names: c.1667del, p.Leu556fs (NM_001165964.3, NM_001202435.3, NM_001353948.2 and 7 more transcripts); c.1664del, p.Leu555fs (NM_001353954.2, NM_001353955.2, NM_001353960.2); c.-759del (NM_001353961.2); short protein forms L556fs, L555fs.
Identifiers: ClinVar variation 189853 (VCV000189853.1), dbSNP rs794726704, ClinGen allele CA303115.

ClinVar aggregate classification (germline): Pathogenic (1 of 4 stars; one submission).

Conditions:
Severe myoclonic epilepsy in infancy (DRVT). Also called: Epileptic encephalopathy, early infantile, 6 (Dravet syndrome); SEVERE MYOCLONIC EPILEPSY OF INFANCY; DEVELOPMENTAL AND EPILEPTIC ENCEPHALOPATHY 6A; Severe Myoclonic Epilepsy in Infancy (SMEI); Dravet syndrome. Identifiers: Orphanet 33069, MedGen C0751122, MONDO:0100135, OMIM 607208.

Submission:

Center for Bioinformatics, Peking University
Classification: Pathogenic for Dravet syndrome. Last evaluated: 2014-12-20. Review status: criteria provided, single submitter. Criteria: Xu et al. (Hum Mutat. 2015). Collection method: research. Allele origin: de novo. Affected: yes. Observed: 1 variant allele. Study: University Clinical Cooperation “985 Project” PKU-2014-1-1.
Comment: Dravet syndrome (DS) probands were recruited from the outpatient and inpatient child neurology units of Peking University First Hospital from 2005 till present. The study was approved by the Ethics Committee of Peking University First Hospital and the Institutional Review Board at Peking University. Participants or their parents provided written informed consent before enrollment. We collected a total of 267 mutations from 255 families with probands diagnosed with DS in China. All probands fulfilled the clinical diagnostic criteria.